The following is an entry in ClinVar:

ClinVar aggregate classification (germline): Conflicting classifications of pathogenicity. Review status: criteria provided, conflicting classifications (1 of 4 stars). 5 submissions from 5 submitters: Uncertain significance (4); Likely benign (1). Last evaluated 2025-12-10.

Conditions:
UROC1-related disorder. Also called: UROC1-related condition.
Urocanate hydratase deficiency (UROCD). Also called: Urocanic aciduria; UROCANASE DEFICIENCY. Identifiers: Orphanet 210128, MedGen C0268514, MONDO:0010167, OMIM 276880, HP:0012237.

Allele frequency attached by ClinVar (database versions not stated): 1000 Genomes Project 30x 0.00016; 1000 Genomes Project 0.00020; TOPMed 0.00091; ESP Exome Variant Server 0.00093; gnomAD 0.00095 and 0.00100.
gnomAD v4.1: 2,498 of 1,599,882 alleles (0.16%); highest among the groups gnomAD compares: Non-Finnish European, 0.19%; 2 homozygotes.

Submissions (5):

PreventionGenetics, part of Exact Sciences
Classification: Likely benign for UROC1-related condition. Last evaluated: 2025-12-10. Review status: criteria provided, single submitter. Criteria: ACMG Guidelines, 2015. Collection method: clinical testing. Allele origin: germline.
Comment: This variant is classified as likely benign based on ACMG/AMP sequence variant interpretation guidelines (Richards et al. 2015 PMID: 25741868, with internal and published modifications).

CeGaT Center for Human Genetics Tuebingen
Classification: Uncertain significance. Last evaluated: 2024-11-01. Review status: criteria provided, single submitter. Criteria: CeGaT Center For Human Genetics Tuebingen Variant Classification Criteria Version 2. Collection method: clinical testing. Allele origin: germline. Affected: yes. Observed: 1 variant allele.
Comment: UROC1: PM2, PM3:Supporting, BP4

Fulgent Genetics
Classification: Uncertain significance for Urocanate hydratase deficiency. Last evaluated: 2018-10-31. Review status: criteria provided, single submitter. Criteria: ACMG Guidelines, 2015. Collection method: clinical testing. Allele origin: unknown.

Genetic Services Laboratory, University of Chicago
Classification: Uncertain significance. Last evaluated: 2014-04-04. Review status: criteria provided, single submitter. Criteria: ACMG Guidelines, 2007. Collection method: clinical testing. Allele origin: germline.

Breakthrough Genomics
Classification: Uncertain significance. Review status: criteria provided, single submitter. Criteria: ACMG Guidelines, 2015. Collection method: not provided. Allele origin: germline. Inheritance: Autosomal recessive inheritance. Affected: yes.

NM_144639.3(UROC1):c.40C>T (p.Arg14Trp)

Gene: UROC1 (urocanate hydratase 1; minus strand). Cytogenetic location: 3q21.3.
Variant type: single nucleotide variant.
Coding change: c.40C>T on transcript NM_144639.3 (MANE Select); coding-DNA position 40, C replaced by T.
Protein change: p.Arg14Trp; replaces arginine 14 with tryptophan.
Molecular consequence: missense variant.
Genome position (GRCh38, 1-based): chr3:126,517,680, G>A on the plus strand (C>T on the coding strand, the complement: UROC1 is on the minus strand). VCF-style: chr3-126517680-G-A. GRCh37 (hg19) VCF-style: chr3-126236523-G-A.
Other names: c.40C>T, p.Arg14Trp (NM_001165974.2); short protein forms R14W.
Identifiers: ClinVar variation 212549 (VCV000212549.23), dbSNP rs147828466, ClinGen allele CA206855.